The following is an entry in ClinVar:

NM_014727.3(KMT2B):c.2348T>G (p.Leu783Trp)

Gene: KMT2B (lysine methyltransferase 2B; plus strand). Cytogenetic location: 19q13.12.
Variant type: single nucleotide variant.
Coding change: c.2348T>G on transcript NM_014727.3 (MANE Select); coding-DNA position 2348, T replaced by G.
Protein change: p.Leu783Trp; replaces leucine 783 with tryptophan.
Molecular consequence: missense variant.
Genome position (GRCh38, 1-based): chr19:35,721,695, T>G. VCF-style: chr19-35721695-T-G. GRCh37 (hg19) VCF-style: chr19-36212597-T-G.
Other names: c.2348T>G (NM_014727.2); short protein forms L783W.
Identifiers: ClinVar variation 3642385 (VCV003642385.3).

ClinVar aggregate classification (germline): Uncertain significance. Review status: criteria provided, multiple submitters, no conflicts (2 of 4 stars). 2 submissions from 2 submitters: Uncertain significance (2). Last evaluated 2026-09-17.

Conditions:
KMT2B-related disorder. Also called: KMT2B-related condition; KMT2B-related disorders. Identifiers: MedGen CN381338.

Submissions (2):

PreventionGenetics, part of Exact Sciences
Classification: Uncertain significance for KMT2B-related condition. Last evaluated: 2026-09-17. Review status: criteria provided, single submitter. Criteria: ACMG Guidelines, 2015. Collection method: clinical testing. Allele origin: germline.
Comment: The KMT2B c.2348T>G variant is predicted to result in the amino acid substitution p.Leu783Trp. To our knowledge, this variant has not been reported in the literature or in a large population database (gnomAD), indicating this variant is rare. At this time, the clinical significance of this variant is uncertain due to the absence of conclusive functional and genetic evidence.

Labcorp Genetics (formerly Invitae), Labcorp
Classification: Uncertain significance. Last evaluated: 2024-05-10. Review status: criteria provided, single submitter. Criteria: Invitae Variant Classification Sherloc (09022015). Collection method: clinical testing. Allele origin: germline.
Comment: This sequence change replaces leucine, which is neutral and non-polar, with tryptophan, which is neutral and slightly polar, at codon 783 of the KMT2B protein (p.Leu783Trp). This variant is not present in population databases (gnomAD no frequency). This variant has not been reported in the literature in individuals affected with KMT2B-related conditions. Advanced modeling of protein sequence and biophysical properties (such as structural, functional, and spatial information, amino acid conservation, physicochemical variation, residue mobility, and thermodynamic stability) performed at Invitae indicates that this missense variant is not expected to disrupt KMT2B protein function with a negative predictive value of 95%. In summary, the available evidence is currently insufficient to determine the role of this variant in disease. Therefore, it has been classified as a Variant of Uncertain Significance.